The following is an entry in ClinVar:

NM_000350.3(ABCA4):c.858+4dup

Gene: ABCA4 (ATP binding cassette subfamily A member 4; minus strand). Cytogenetic location: 1p22.1.
Variant type: Duplication.
Coding change: c.858+4dup on transcript NM_000350.3 (MANE Select); 4 bases into the intron after coding-DNA position 858, one base duplicated (A; older notation c.858+4dupA).
Molecular consequence: intron variant.
Genome position (GRCh38, 1-based): chr1:94,083,348, T duplicated on the plus strand (A on the coding strand, the reverse complement: ABCA4 is on the minus strand). VCF-style (leftmost placement, unchanged base first): chr1-94083347-C-CT. GRCh37 (hg19) VCF-style: chr1-94548903-C-CT.
Identifiers: ClinVar variation 999673 (VCV000999673.7), dbSNP rs1661749792, ClinGen allele CA1181436407.

ClinVar aggregate classification (germline): Uncertain significance. Review status: reviewed by expert panel (3 of 4 stars). 2 submissions from 2 submitters: Uncertain significance (1). 1 of the submissions does not count toward it. Last evaluated 2026-02-24.

Conditions:
ABCA4-related retinopathy. Also called: ABCA4 retinoapthy; ABCA4-related retinoapthy. Identifiers: MedGen CN322612, MONDO:0800406.

Submissions (2):

ClinGen ABCA4 Variant Curation Expert Panel, Clingen
Classification: Uncertain significance for ABCA4-related retinopathy. Last evaluated: 2026-02-24. Review status: reviewed by expert panel. Criteria: ClinGen ABCA4 ACMG Specifications V1.0.0. Collection method: curation. Allele origin: germline.
Comment: The NM_000350.3(ABCA4):c.858+4dup is an intronic variant located within intron 7 of the ABCA4 gene. This variant is absent from gnomAD v4.1.0 (PM2_Supporting). The computational predictor SpliceAI gives a score of 0.81 for donor loss which is above the threshold of >0.8, evidence that predicts a damaging effect on ABCA4 function (PP3_Moderate). To our knowledge, this variant has not been reported in the literature. In summary, this variant meets the criteria to be classified as variant of uncertain significance for ABCA4-related retinopathy based on the ACMG/AMP criteria applied, as specified by the ClinGen ABCA4 VCEP (Specification Version 1.0.0): PM2_Supporting, PP3_Moderate.

Labcorp Genetics (formerly Invitae), Labcorp
Classification: Uncertain significance. Last evaluated: 2022-10-05. Review status: criteria provided, single submitter. Criteria: Invitae Variant Classification Sherloc (09022015). Collection method: clinical testing. Allele origin: germline. Not counted in ClinVar's aggregate classification.
Comment: Variants that disrupt the consensus splice site are a relatively common cause of aberrant splicing (PMID: 17576681, 9536098). Algorithms developed to predict the effect of sequence changes on RNA splicing suggest that this variant may disrupt the consensus splice site. In summary, the available evidence is currently insufficient to determine the role of this variant in disease. Therefore, it has been classified as a Variant of Uncertain Significance. ClinVar contains an entry for this variant (Variation ID: 999673). This sequence change falls in intron 7 of the ABCA4 gene. It does not directly change the encoded amino acid sequence of the ABCA4 protein. It affects a nucleotide within the consensus splice site. This variant is not present in population databases (gnomAD no frequency). This variant has not been reported in the literature in individuals affected with ABCA4-related conditions.

Literature cited by the submitters: PubMed 17576681 (cited by Labcorp Genetics (formerly Invitae), Labcorp); PubMed 9536098 (cited by Labcorp Genetics (formerly Invitae), Labcorp).